The following is an entry in ClinVar:

ClinVar aggregate classification (germline): Uncertain significance (1 of 4 stars; one submission).

gnomAD v4.1: 1 of 1,612,860 alleles (0.000062%); highest among the groups gnomAD compares: Admixed American, 0.0017%; no homozygotes.

Submission:

Women's Health and Genetics/Laboratory Corporation of America, LabCorp
Classification: Uncertain significance. Last evaluated: 2024-12-02. Review status: criteria provided, single submitter. Criteria: LabCorp Variant Classification Summary - May 2015. Collection method: clinical testing. Allele origin: germline.
Comment: Variant summary: NBEA c.3347G>A (p.Gly1116Asp) results in a non-conservative amino acid change in the encoded protein sequence. Four of five in-silico tools predict a benign effect of the variant on protein function. The variant allele was found at a frequency of 4e-06 in 247070 control chromosomes. The available data on variant occurrences in the general population are insufficient to allow any conclusion about variant significance. To our knowledge, no occurrence of c.3347G>A in individuals affected with Neurodevelopmental Disorder With Or Without Early-Onset Generalized Epilepsy and no experimental evidence demonstrating its impact on protein function have been reported. No submitters have cited clinical-significance assessments for this variant to ClinVar. Based on the evidence outlined above, the variant was classified as uncertain significance.

NM_001385012.1(NBEA):c.3347G>A (p.Gly1116Asp)

Gene: NBEA (neurobeachin; plus strand). Cytogenetic location: 13q13.3.
Variant type: single nucleotide variant.
Coding change: c.3347G>A on transcript NM_001385012.1 (MANE Select); coding-DNA position 3347, G replaced by A.
Protein change: p.Gly1116Asp; replaces glycine 1116 with aspartic acid.
Molecular consequence: missense variant.
Genome position (GRCh38, 1-based): chr13:35,159,518, G>A. VCF-style: chr13-35159518-G-A. GRCh37 (hg19) VCF-style: chr13-35733655-G-A.
Other names: c.3347G>A, p.Gly1116Asp (NM_001379245.1, NM_015678.5); short protein forms G1116D.
Identifiers: ClinVar variation 3768342 (VCV003768342.1).